The following is an entry in ClinVar:

NM_001365088.1(SLC12A6):c.1417A>G (p.Asn473Asp)

Gene: SLC12A6 (solute carrier family 12 member 6; minus strand). Cytogenetic location: 15q14.
Variant type: single nucleotide variant.
Coding change: c.1417A>G on transcript NM_001365088.1 (MANE Select); coding-DNA position 1417, A replaced by G.
Protein change: p.Asn473Asp; replaces asparagine 473 with aspartic acid.
Molecular consequence: missense variant.
Genome position (GRCh38, 1-based): chr15:34,250,974, T>C on the plus strand (A>G on the coding strand, the complement: SLC12A6 is on the minus strand). VCF-style: chr15-34250974-T-C. GRCh37 (hg19) VCF-style: chr15-34543175-T-C.
Other names: c.1240A>G, p.Asn414Asp (NM_001042494.2, NM_001042495.2); c.1390A>G, p.Asn464Asp (NM_001042496.2); c.1372A>G, p.Asn458Asp (NM_001042497.2); c.1264A>G, p.Asn422Asp (NM_005135.2); c.1417A>G, p.Asn473Asp (NM_133647.2); short protein forms N414D, N422D, N458D, N464D, N473D.
Identifiers: ClinVar variation 1642209 (VCV001642209.11), dbSNP rs370477960, ClinGen allele CA7464311.
Genomic context (GRCh38, chr15:34,250,974, plus strand): 5'-AGAAGATTCCCACCAGAAGCGTGAAGGAGGTGGTGATGTCAACAAGAACATATTCATGGT[T>C]TAAGCTGCCTAAGACATCAGAAGATTTGGCTGAAGGCTTTTCGATGATCTCTCCCTTGGG-3'
Protein context (NP_001352017.1, residues 463-483): AKSSDVLGSL[Asn473Asp]HEYVLVDITT

ClinVar aggregate classification (germline): Conflicting classifications of pathogenicity. Review status: criteria provided, conflicting classifications (1 of 4 stars). 3 submissions from 3 submitters: Uncertain significance (2); Likely benign (1). Last evaluated 2025-10-23.

Conditions:
Inborn genetic diseases. Identifiers: MedGen C0950123, MeSH D030342.

Allele frequency attached by ClinVar (database versions not stated): ExAC 0.00006; ESP Exome Variant Server 0.00015; gnomAD 0.00017 and 0.00019; TOPMed 0.00023.
gnomAD v4.1: 57 of 1,611,610 alleles (0.0035%); highest among the groups gnomAD compares: African/African-American, 0.065%; no homozygotes.

Submissions (3):

Labcorp Genetics (formerly Invitae), Labcorp
Classification: Likely benign. Last evaluated: 2025-10-23. Review status: criteria provided, single submitter. Criteria: Invitae Variant Classification Sherloc (09022015). Collection method: clinical testing. Allele origin: germline.

Ambry Genetics
Classification: Uncertain significance for Inborn genetic diseases. Last evaluated: 2024-05-30. Review status: criteria provided, single submitter. Criteria: Ambry Variant Classification Scheme 2023. Collection method: clinical testing. Allele origin: germline.

Women's Health and Genetics/Laboratory Corporation of America, LabCorp
Classification: Uncertain significance. Last evaluated: 2022-07-12. Review status: criteria provided, single submitter. Criteria: LabCorp Variant Classification Summary - May 2015. Collection method: clinical testing. Allele origin: germline.
Comment: Variant summary: SLC12A6 c.1417A>G (p.Asn473Asp) results in a conservative amino acid change in the encoded protein sequence. Five of five in-silico tools predict a benign effect of the variant on protein function. The variant allele was found at a frequency of 5.2e-05 in 251482 control chromosomes (gnomAD). This frequency is not significantly higher than expected for a pathogenic variant in SLC12A6 causing Andermann Syndrome (5.2e-05 vs 0.025), allowing no conclusion about variant significance. To our knowledge, no occurrence of c.1417A>G in individuals affected with Andermann Syndrome and no experimental evidence demonstrating its impact on protein function have been reported. One clinical diagnostic laboratory has submitted a clinical-significance assessment for this variant to ClinVar after 2014 without evidence for independent evaluation and classified the variant as likely benign. Based on the evidence outlined above, the variant was classified as uncertain significance.